The following is an entry in ClinVar:

NM_178857.6(RP1L1):c.4396G>A (p.Glu1466Lys)

Gene: RP1L1 (RP1 like 1). Cytogenetic location: 8p23.1.
Variant type: single nucleotide variant.
Coding change: c.4396G>A on transcript NM_178857.6 (MANE Select); coding-DNA position 4396, G replaced by A.
Protein change: p.Glu1466Lys; replaces glutamic acid 1466 with lysine.
Molecular consequence: missense variant.
Genome position (GRCh38, 1-based): chr8:10,609,702, C>T on the plus strand (G>A on the coding strand, the complement: RP1L1 is on the minus strand). VCF-style: chr8-10609702-C-T. GRCh37 (hg19) VCF-style: chr8-10467212-C-T.
Other names: c.4396G>A (NM_178857.5); short protein forms E1466K.
Identifiers: ClinVar variation 4899071 (VCV004899071.2).

ClinVar aggregate classification (germline): Conflicting classifications of pathogenicity. Review status: criteria provided, conflicting classifications (1 of 4 stars). 2 submissions from 2 submitters: Uncertain significance (1); Likely benign (1). Last evaluated 2025-09-11.

Conditions:
RP1L1-related disorder. Also called: RP1L1-related condition.

gnomAD v4.1: 75 of 1,612,874 alleles (0.0047%); highest among the groups gnomAD compares: African/African-American, 0.065%; no homozygotes.

Submissions (2):

PreventionGenetics, part of Exact Sciences
Classification: Uncertain significance for RP1L1-related condition. Last evaluated: 2025-09-11. Review status: criteria provided, single submitter. Criteria: ACMG Guidelines, 2015. Collection method: clinical testing. Allele origin: germline.
Comment: The RP1L1 c.4396G>A variant is predicted to result in the amino acid substitution p.Glu1466Lys. This variant has been reported in the heterozygous state in an individual with inherited retinal disease (Gupta et al. 2022. PubMed ID: 36284670). This variant is reported in 0.075% of alleles in individuals of African descent in gnomAD. At this time, the clinical significance of this variant is uncertain due to the absence of conclusive functional and genetic evidence.

Blueprint Genetics
Classification: Likely benign. Last evaluated: 2024-04-17. Review status: criteria provided, single submitter. Criteria: ACMG Guidelines, 2015. Collection method: clinical testing. Allele origin: germline.